The following is an entry in ClinVar:

ClinVar aggregate classification (germline): Pathogenic (1 of 4 stars; one submission).

Conditions:
Breast-ovarian cancer, familial, susceptibility to, 1 (BROVCA1). Also called: BRCA1 Hereditary Breast and Ovarian Cancer; OVARIAN CANCER, SUSCEPTIBILITY TO. Identifiers: Orphanet 145, MedGen C2676676, MONDO:0011450, OMIM 604370. Disease mechanism: loss of function.

Submission:

Myriad Genetics, Inc.
Classification: Pathogenic for Breast-ovarian cancer, familial, susceptibility to, 1. Last evaluated: 2025-04-10. Review status: criteria provided, single submitter. Criteria: Myriad Autosomal Dominant, Autosomal Recessive and X-Linked Classification Criteria (2023). Collection method: clinical testing. Allele origin: unknown.
Comment: This variant is considered pathogenic. This variant creates a frameshift predicted to result in premature protein truncation.

NM_007294.4(BRCA1):c.4400_4403dup (p.Asn1468fs)

Gene: BRCA1 (BRCA1 DNA repair associated; minus strand). Cytogenetic location: 17q21.31.
Variant type: Duplication.
Coding change: c.4400_4403dup on transcript NM_007294.4 (MANE Select); coding-DNA positions 4400 to 4403, 4 bases duplicated (AGAA; older notation c.4400_4403dupAGAA).
Protein change: p.Asn1468fs; shifts the reading frame from asparagine 1468.
Molecular consequence: frameshift variant. On other transcripts: intron variant (3).
Genome position (GRCh38, 1-based): chr17:43,076,569-43,076,572, TTCT duplicated on the plus strand (AGAA on the coding strand, the reverse complement: BRCA1 is on the minus strand). VCF-style (leftmost placement, unchanged base first): chr17-43076568-A-ATTCT. GRCh37 (hg19) VCF-style: chr17-41228585-A-ATTCT.
Other names: c.950_953dup, p.Asn318fs (NM_001408452.1, NM_001408453.1, NM_001408454.1 and 3 more transcripts); c.947_950dup, p.Asn317fs (NM_001408458.1, NM_001408459.1, NM_001408460.1 and 7 more transcripts); c.944_947dup, p.Asn316fs (NM_001408468.1, NM_001408469.1, NM_001408470.1); c.878_881dup, p.Asn294fs (NM_001408489.1, NM_001408490.1, NM_001408491.1 and 5 more transcripts); c.875_878dup, p.Asn293fs (NM_001408492.1, NM_001408493.1); c.851_854dup, p.Asn285fs (NM_001408494.1); c.845_848dup, p.Asn283fs (NM_001408495.1); c.4271_4274dup, p.Asn1425fs (NM_001407941.1, NM_001407681.1, NM_001407682.1 and 6 more transcripts); and 71 more; short protein forms N1171fs, N1172fs, N1299fs, N1339fs, N1340fs, N1341fs, N1355fs, N1356fs.
Identifiers: ClinVar variation 4071368 (VCV004071368.1).